The following is an entry in ClinVar:

NM_025132.4(WDR19):c.3378C>T (p.His1126=)

Gene: WDR19 (WD repeat domain 19; plus strand). Cytogenetic location: 4p14.
Variant type: single nucleotide variant.
Coding change: c.3378C>T on transcript NM_025132.4 (MANE Select); coding-DNA position 3378, C replaced by T.
Protein change: p.His1126=; no amino-acid change (histidine 1126 retained).
Molecular consequence: synonymous variant.
Genome position (GRCh38, 1-based): chr4:39,269,995, C>T. VCF-style: chr4-39269995-C-T. GRCh37 (hg19) VCF-style: chr4-39271615-C-T.
Other names: c.2898C>T, p.His966= (NM_001317924.2); c.3378C>T (NM_025132.3).
Identifiers: ClinVar variation 1126242 (VCV001126242.10), dbSNP rs762384397, ClinGen allele CA2892360.
Genomic context (GRCh38, chr4:39,269,995, plus strand): 5'-TCACCCTTTGCAGTAATGTCGTTTTACCACCTTTTTTCAAGGCAACTACCGGAATGCACA[C>T]GATGTTCTCTTCAGTATGTATGCAGAACTGAAATCCCAGAAGATCAAAATTCCCTCCGAG-3'
Protein context (NP_079408.3, residues 1116-1136): EQSAGNYRNA[His1126=]DVLFSMYAEL

ClinVar aggregate classification (germline): Likely benign. Review status: criteria provided, multiple submitters, no conflicts (2 of 4 stars). 2 submissions from 2 submitters: Likely benign (2). Last evaluated 2025-08-22.

Conditions:
WDR19-related disorder. Also called: WDR19-related condition; WDR19-related disorders. Identifiers: MedGen CN380161.
Senior-Loken syndrome 8 (SLSN8). Identifiers: Orphanet 3156, MedGen C4225376, MONDO:0014579, OMIM 616307.
Asphyxiating thoracic dystrophy 5 (SRTD5). Also called: SHORT-RIB THORACIC DYSPLASIA 5 WITH OR WITHOUT POLYDACTYLY; SHORT-RIB THORACIC DYSPLASIA 5 WITHOUT POLYDACTYLY. Identifiers: Orphanet 474, MedGen C3280598, MONDO:0013717, OMIM 614376.

Allele frequency attached by ClinVar (database versions not stated): ExAC 0.00002; gnomAD 0.00003 and 0.00004; gnomAD exomes 0.00003; TOPMed 0.00004.
gnomAD v4.1: 18 of 1,613,572 alleles (0.0011%); highest among the groups gnomAD compares: African/African-American, 0.011%; no homozygotes.

Submissions (2):

PreventionGenetics, part of Exact Sciences
Classification: Likely benign for WDR19-related condition. Last evaluated: 2025-08-22. Review status: criteria provided, single submitter. Criteria: ACMG Guidelines, 2015. Collection method: clinical testing. Allele origin: germline.
Comment: This variant is classified as likely benign based on ACMG/AMP sequence variant interpretation guidelines (Richards et al. 2015 PMID: 25741868, with internal and published modifications).

Labcorp Genetics (formerly Invitae), Labcorp
Classification: Likely benign for Senior-Loken syndrome 8; Asphyxiating thoracic dystrophy 5. Last evaluated: 2025-07-22. Review status: criteria provided, single submitter. Criteria: Invitae Variant Classification Sherloc (09022015). Collection method: clinical testing. Allele origin: germline.